The following is an entry in ClinVar:

NM_001360.3(DHCR7):c.679C>A (p.Pro227Thr)

Gene: DHCR7 (7-dehydrocholesterol reductase; minus strand). Cytogenetic location: 11q13.4.
Variant type: single nucleotide variant.
Coding change: c.679C>A on transcript NM_001360.3 (MANE Select); coding-DNA position 679, C replaced by A.
Protein change: p.Pro227Thr; replaces proline 227 with threonine.
Molecular consequence: missense variant.
Genome position (GRCh38, 1-based): chr11:71,439,031, G>T on the plus strand (C>A on the coding strand, the complement: DHCR7 is on the minus strand). VCF-style: chr11-71439031-G-T. GRCh37 (hg19) VCF-style: chr11-71150077-G-T.
Other names: c.679C>A, p.Pro227Thr (NM_001163817.2, NM_001425109.1, NM_001425110.1 and 6 more transcripts); c.730C>A, p.Pro244Thr (NM_001425107.1); c.715C>A, p.Pro239Thr (NM_001425108.1); c.619C>A, p.Pro207Thr (NM_001425113.1); c.583C>A, p.Pro195Thr (NM_001425114.1, NM_001425116.1); c.505C>A, p.Pro169Thr (NM_001425117.1); short protein forms P169T, P195T, P207T, P227T, P239T, P244T.
Identifiers: ClinVar variation 3769365 (VCV003769365.2).

ClinVar aggregate classification (germline): Uncertain significance (1 of 4 stars; one submission).

Submission:

Women's Health and Genetics/Laboratory Corporation of America, LabCorp
Classification: Uncertain significance. Last evaluated: 2025-01-28. Review status: criteria provided, single submitter. Criteria: LabCorp Variant Classification Summary - May 2015. Collection method: clinical testing. Allele origin: germline.
Comment: Variant summary: DHCR7 c.679C>A (p.Pro227Thr) results in a non-conservative amino acid change in the encoded protein sequence. Five of five in-silico tools predict a damaging effect of the variant on protein function. The variant was absent in 251396 control chromosomes. The available data on variant occurrences in the general population are insufficient to allow any conclusion about variant significance. c.679C>A has been reported in the literature in individual(s) affected with Smith-Lemli-Opitz Syndrome (Waterham_2012). These report(s) do not provide unequivocal conclusions about association of the variant with Smith-Lemli-Opitz Syndrome. To our knowledge, no experimental evidence demonstrating an impact on protein function has been reported. The following publication have been ascertained in the context of this evaluation (PMID: 23042628). No submitters have cited clinical-significance assessments for this variant to ClinVar. Based on the evidence outlined above, the variant was classified as uncertain significance.

Literature cited by the submitters: PubMed 23042628.